The following is an entry in ClinVar:

ClinVar aggregate classification (germline): Uncertain significance. Review status: criteria provided, multiple submitters, no conflicts (2 of 4 stars). 2 submissions from 2 submitters: Uncertain significance (2). Last evaluated 2023-05-04.

Conditions:
Inborn genetic diseases. Identifiers: MedGen C0950123, MeSH D030342.
Autosomal recessive distal spinal muscular atrophy 1. Also called: SEVERE INFANTILE AXONAL NEUROPATHY WITH RESPIRATORY FAILURE; SPINAL MUSCULAR ATROPHY, DIAPHRAGMATIC; Spinal muscular atrophy with respiratory distress 1; HMN VI; NEURONOPATHY, SEVERE INFANTILE AXONAL, WITH RESPIRATORY FAILURE; NEURONOPATHY, DISTAL HEREDITARY MOTOR, HARDING TYPE VI. Identifiers: Orphanet 98920, MedGen C1858517, MONDO:0011436, OMIM 604320.
Charcot-Marie-Tooth disease axonal type 2S. Also called: CHARCOT-MARIE-TOOTH NEUROPATHY, TYPE 2S; CHARCOT-MARIE-TOOTH DISEASE, AXONAL, AUTOSOMAL RECESSIVE, TYPE 2S. Identifiers: Orphanet 443073, MedGen C4015349, MONDO:0014511, OMIM 616155.

Allele frequency attached by ClinVar (database versions not stated): gnomAD exomes 0.00001 and 0.00002; ExAC 0.00003; gnomAD 0.00007 and 0.00008; TOPMed 0.00014; ESP Exome Variant Server 0.00015.
gnomAD v4.1: 29 of 1,613,904 alleles (0.0018%); highest among the groups gnomAD compares: African/African-American, 0.033%; no homozygotes.

Submissions (2):

Ambry Genetics
Classification: Uncertain significance for Inborn genetic diseases. Last evaluated: 2023-05-04. Review status: criteria provided, single submitter. Criteria: Ambry Variant Classification Scheme 2023. Collection method: clinical testing. Allele origin: germline.

Labcorp Genetics (formerly Invitae), Labcorp
Classification: Uncertain significance for Autosomal recessive distal spinal muscular atrophy 1; Charcot-Marie-Tooth disease axonal type 2S. Last evaluated: 2022-01-23. Review status: criteria provided, single submitter. Criteria: Invitae Variant Classification Sherloc (09022015). Collection method: clinical testing. Allele origin: germline.
Comment: This sequence change replaces alanine, which is neutral and non-polar, with threonine, which is neutral and polar, at codon 731 of the IGHMBP2 protein (p.Ala731Thr). This variant is present in population databases (rs139871647, gnomAD 0.03%). This variant has not been reported in the literature in individuals affected with IGHMBP2-related conditions. Advanced modeling of protein sequence and biophysical properties (such as structural, functional, and spatial information, amino acid conservation, physicochemical variation, residue mobility, and thermodynamic stability) performed at Invitae indicates that this missense variant is not expected to disrupt IGHMBP2 protein function. In summary, the available evidence is currently insufficient to determine the role of this variant in disease. Therefore, it has been classified as a Variant of Uncertain Significance.

NM_002180.3(IGHMBP2):c.2191G>A (p.Ala731Thr)

Gene: IGHMBP2 (immunoglobulin mu DNA binding protein 2; plus strand). Cytogenetic location: 11q13.3.
Variant type: single nucleotide variant.
Coding change: c.2191G>A on transcript NM_002180.3 (MANE Select); coding-DNA position 2191, G replaced by A.
Protein change: p.Ala731Thr; replaces alanine 731 with threonine.
Molecular consequence: missense variant.
Genome position (GRCh38, 1-based): chr11:68,936,671, G>A. VCF-style: chr11-68936671-G-A. GRCh37 (hg19) VCF-style: chr11-68704139-G-A.
Other names: c.2191G>A (NM_002180.2); short protein forms A731T.
Identifiers: ClinVar variation 1468597 (VCV001468597.5), dbSNP rs139871647, ClinGen allele CA6153857.